The following is an entry in ClinVar:

ClinVar aggregate classification (germline): Uncertain significance. Review status: criteria provided, multiple submitters, no conflicts (2 of 4 stars). 3 submissions from 3 submitters: Uncertain significance (3). Last evaluated 2025-12-28.

Conditions:
Inborn genetic diseases. Identifiers: MedGen C0950123, MeSH D030342.

Allele frequency attached by ClinVar (database versions not stated): ExAC 0.00001; gnomAD 0.00001; TOPMed 0.00001; gnomAD exomes 0.00002.
gnomAD v4.1: 13 of 1,614,010 alleles (0.00081%); highest among the groups gnomAD compares: East Asian, 0.0045%; no homozygotes.

Submissions (3):

Labcorp Genetics (formerly Invitae), Labcorp
Classification: Uncertain significance. Last evaluated: 2025-12-28. Review status: criteria provided, single submitter. Criteria: Invitae Variant Classification Sherloc (09022015). Collection method: clinical testing. Allele origin: germline.
Comment: This sequence change replaces methionine, which is neutral and non-polar, with threonine, which is neutral and polar, at codon 847 of the EMC1 protein (p.Met847Thr). This variant is present in population databases (rs770184000, gnomAD 0.02%). This variant has not been reported in the literature in individuals affected with EMC1-related conditions. ClinVar contains an entry for this variant (Variation ID: 1380039). Invitae Evidence Modeling of protein sequence and biophysical properties (such as structural, functional, and spatial information, amino acid conservation, physicochemical variation, residue mobility, and thermodynamic stability) indicates that this missense variant is expected to disrupt EMC1 protein function with a positive predictive value of 80%. In summary, the available evidence is currently insufficient to determine the role of this variant in disease. Therefore, it has been classified as a Variant of Uncertain Significance.

Ambry Genetics
Classification: Uncertain significance for Inborn genetic diseases. Last evaluated: 2023-12-15. Review status: criteria provided, single submitter. Criteria: Ambry Variant Classification Scheme 2023. Collection method: clinical testing. Allele origin: germline.

GeneDx
Classification: Uncertain significance. Last evaluated: 2022-12-07. Review status: criteria provided, single submitter. Criteria: GeneDx Variant Classification Process June 2021. Collection method: clinical testing. Allele origin: germline. Affected: yes.
Comment: In silico analysis supports that this missense variant has a deleterious effect on protein structure/function; Has not been previously published as pathogenic or benign to our knowledge

NM_015047.3(EMC1):c.2540T>C (p.Met847Thr)

Genes: EMC1 (ER membrane protein complex subunit 1; minus strand), EMC1-AS1 (EMC1 antisense RNA 1; plus strand). Cytogenetic location: 1p36.13.
Variant type: single nucleotide variant.
Coding change: c.2540T>C on transcript NM_015047.3 (MANE Select); coding-DNA position 2540, T replaced by C.
Protein change: p.Met847Thr; replaces methionine 847 with threonine.
Molecular consequence: missense variant.
Genome position (GRCh38, 1-based): chr1:19,222,671, A>G on the plus strand (T>C on the coding strand, the complement: EMC1 is on the minus strand). VCF-style: chr1-19222671-A-G. GRCh37 (hg19) VCF-style: chr1-19549165-A-G.
Other names: c.2537T>C, p.Met846Thr (NM_001271427.2, NM_001271428.2); c.2474T>C, p.Met825Thr (NM_001271429.2); c.2549T>C, p.Met850Thr (NM_001375820.1); c.2546T>C, p.Met849Thr (NM_001375821.1); c.2540T>C (NM_015047.2, NM_015047.1); short protein forms M825T, M847T, M849T, M846T, M850T.
Identifiers: ClinVar variation 1380039 (VCV001380039.7), dbSNP rs770184000, ClinGen allele CA652248.